The following is an entry in ClinVar:

ClinVar aggregate classification (germline): Benign. Review status: criteria provided, multiple submitters, no conflicts (2 of 4 stars). 3 submissions from 3 submitters: Benign (2). 1 of the submissions does not count toward it. Last evaluated 2026-02-03.

Conditions:
TFAM-related disorder. Also called: TFAM-related condition.

Submissions (3):

Labcorp Genetics (formerly Invitae), Labcorp
Classification: Benign. Last evaluated: 2026-02-03. Review status: criteria provided, single submitter. Criteria: Invitae Variant Classification Sherloc (09022015). Collection method: clinical testing. Allele origin: germline.

GeneDx
Classification: Benign. Last evaluated: 2018-07-03. Review status: criteria provided, single submitter. Criteria: GeneDx Variant Classification Process June 2021. Collection method: clinical testing. Allele origin: germline. Affected: yes.

PreventionGenetics, part of Exact Sciences
Classification: Benign for TFAM-related condition. Last evaluated: 2020-01-09. Review status: no assertion criteria provided. Collection method: clinical testing. Allele origin: germline. Not counted in ClinVar's aggregate classification.
Comment: This variant is classified as benign based on ACMG/AMP sequence variant interpretation guidelines (Richards et al. 2015 PMID: 25741868, with internal and published modifications).

NM_003201.3(TFAM):c.292-9dup

Gene: TFAM (transcription factor A, mitochondrial; plus strand). Cytogenetic location: 10q21.1.
Variant type: Duplication.
Coding change: c.292-9dup on transcript NM_003201.3 (MANE Select); 9 bases into the intron before coding-DNA position 292, one base duplicated (T; older notation c.292-9dupT).
Molecular consequence: intron variant.
Genome position (GRCh38, 1-based): chr10:58,388,661, T duplicated; the last of 6 consecutive T bases (chr10:58,388,656-58,388,661); duplicating any one gives the same sequence. VCF-style (leftmost placement, unchanged base first): chr10-58388655-G-GT. GRCh37 (hg19) VCF-style: chr10-60148415-G-GT.
Other names: c.292-9dup (NM_001270782.2); c.292-9dupT (NM_003201.2).
Identifiers: ClinVar variation 1223044 (VCV001223044.13), dbSNP rs34084383, ClinGen allele CA5507935.